The following is an entry in ClinVar:

ClinVar aggregate classification (germline): Uncertain significance (1 of 4 stars; one submission).

Conditions:
Compton-North congenital myopathy (CMYO12). Identifiers: Orphanet 210163, MedGen C2675527, MONDO:0012929, OMIM 612540.

Submission:

Labcorp Genetics (formerly Invitae), Labcorp
Classification: Uncertain significance for Compton-North congenital myopathy. Last evaluated: 2022-06-20. Review status: criteria provided, single submitter. Criteria: Invitae Variant Classification Sherloc (09022015). Collection method: clinical testing. Allele origin: germline.
Comment: In summary, the available evidence is currently insufficient to determine the role of this variant in disease. Therefore, it has been classified as a Variant of Uncertain Significance. Advanced modeling of protein sequence and biophysical properties (such as structural, functional, and spatial information, amino acid conservation, physicochemical variation, residue mobility, and thermodynamic stability) performed at Invitae indicates that this missense variant is expected to disrupt CNTN1 protein function. ClinVar contains an entry for this variant (Variation ID: 1035313). This variant has not been reported in the literature in individuals affected with CNTN1-related conditions. This variant is not present in population databases (gnomAD no frequency). This sequence change replaces glycine, which is neutral and non-polar, with glutamic acid, which is acidic and polar, at codon 317 of the CNTN1 protein (p.Gly317Glu).

NM_001843.4(CNTN1):c.950G>A (p.Gly317Glu)

Gene: CNTN1 (contactin 1; plus strand). Cytogenetic location: 12q12.
Variant type: single nucleotide variant.
Coding change: c.950G>A on transcript NM_001843.4 (MANE Select); coding-DNA position 950, G replaced by A.
Protein change: p.Gly317Glu; replaces glycine 317 with glutamic acid.
Molecular consequence: missense variant.
Genome position (GRCh38, 1-based): chr12:40,933,843, G>A. VCF-style: chr12-40933843-G-A. GRCh37 (hg19) VCF-style: chr12-41327645-G-A.
Other names: c.950G>A, p.Gly317Glu (NM_001256063.2, NM_001256064.2); c.917G>A, p.Gly306Glu (NM_175038.2); short protein forms G306E, G317E.
Identifiers: ClinVar variation 1035313 (VCV001035313.9), dbSNP rs1945984350, ClinGen allele CA384423467.